The following is an entry in ClinVar:

ClinVar aggregate classification (germline): Conflicting classifications of pathogenicity. Review status: criteria provided, conflicting classifications (1 of 4 stars). 9 submissions from 9 submitters: Uncertain significance (8); Likely benign (1). Last evaluated 2026-01-14.

Conditions:
Classic or attenuated familial adenomatous polyposis. Identifiers: MedGen CN372698, MONDO:0021057.
Hereditary cancer-predisposing syndrome. Also called: Tumor predisposition; Neoplastic Syndromes, Hereditary; Hereditary Cancer Syndrome; Hereditary neoplastic syndrome. Identifiers: Orphanet 140162, MedGen C0027672, MeSH D009386, MONDO:0015356.
Familial adenomatous polyposis 1 (FAP1). Also called: POLYPOSIS, ADENOMATOUS INTESTINAL; FAMILIAL ADENOMATOUS POLYPOSIS 1, ATTENUATED. Identifiers: MedGen C2713442, MONDO:0021056, OMIM 175100. Disease mechanism: loss of function.
Desmoid disease, hereditary (DESMD). Also called: FIBROMATOSIS, FAMILIAL INFILTRATIVE. Identifiers: Orphanet 873, MedGen C1851124, OMIM 135290. Disease mechanism: loss of function.

Allele frequency attached by ClinVar (database versions not stated): gnomAD exomes 0.00001 and 0.00004; gnomAD 0.00002; ExAC 0.00006.
gnomAD v4.1: 22 of 1,613,838 alleles (0.0014%); highest among the groups gnomAD compares: Non-Finnish European, 0.0014%; no homozygotes.

Submissions (9):

Labcorp Genetics (formerly Invitae), Labcorp
Classification: Uncertain significance for Familial adenomatous polyposis 1. Last evaluated: 2026-01-14. Review status: criteria provided, single submitter. Criteria: Invitae Variant Classification Sherloc (09022015). Collection method: clinical testing. Allele origin: germline.
Comment: This sequence change replaces serine, which is neutral and polar, with leucine, which is neutral and non-polar, at codon 747 of the APC protein (p.Ser747Leu). This variant is present in population databases (rs773020689, gnomAD 0.02%). This variant has not been reported in the literature in individuals affected with APC-related conditions. ClinVar contains an entry for this variant (Variation ID: 188223). Invitae Evidence Modeling of protein sequence and biophysical properties (such as structural, functional, and spatial information, amino acid conservation, physicochemical variation, residue mobility, and thermodynamic stability) indicates that this missense variant is not expected to disrupt APC protein function with a negative predictive value of 95%. In summary, the available evidence is currently insufficient to determine the role of this variant in disease. Therefore, it has been classified as a Variant of Uncertain Significance.

All of Us Research Program, National Institutes of Health
Classification: Uncertain significance for Classic or attenuated familial adenomatous polyposis. Last evaluated: 2024-09-23. Review status: criteria provided, single submitter. Criteria: ACMG Guidelines, 2015. Collection method: clinical testing. Allele origin: germline. Inheritance: Autosomal dominant inheritance. Observed: 6 variant alleles, 6 heterozygotes.
Comment: This missense variant replaces serine with leucine at codon 747 of the APC protein. Computational prediction is inconclusive regarding the impact of this variant on protein structure and function (internally defined REVEL score threshold 0.5 < inconclusive < 0.7, PMID: 27666373). To our knowledge, functional studies have not been reported for this variant. This variant has not been reported in individuals affected with hereditary cancer in the literature. This variant has been identified in 10/281638 chromosomes in the general population by the Genome Aggregation Database (gnomAD). The available evidence is insufficient to determine the role of this variant in disease conclusively. Therefore, this variant is classified as a Variant of Uncertain Significance.

This study involves interpretation of variants in research participants for the purpose of population health screening. Participant phenotype was not available at the time of variant classification. Additional details can be found in publication PMID: 35346344, PMCID: PMC8962531

Quest Diagnostics Nichols Institute San Juan Capistrano
Classification: Uncertain significance. Last evaluated: 2023-12-05. Review status: criteria provided, single submitter. Criteria: Quest Diagnostics criteria. Collection method: clinical testing. Allele origin: unknown.
Comment: The APC c.2240C>T (p.Ser747Leu) variant has been reported in the published literature in an individual with colorectal cancer (PMID: 29245953 (2017)), as well as in an unaffected individual with a family history of colon cancer and colon polyps (PMID: 30374176 (2019)). The frequency of this variant in the general population, 0.00016 (4/25030 chromosomes in European (Finnish) subpopulation (Genome Aggregation Database)), is higher than would generally be expected for pathogenic variants in this gene. Analysis of this variant using bioinformatics tools for the prediction of the effect of amino acid changes on protein structure and function yielded conflicting predictions that this variant is benign or damaging. Based on the available information, we are unable to determine the clinical significance of this variant.

Color Diagnostics, LLC DBA Color Health
Classification: Uncertain significance for Hereditary cancer-predisposing syndrome. Last evaluated: 2023-10-18. Review status: criteria provided, single submitter. Criteria: ACMG Guidelines, 2015. Collection method: clinical testing. Allele origin: germline.
Comment: This missense variant replaces serine with leucine at codon 747 of the APC protein. Computational prediction is inconclusive regarding the impact of this variant on protein structure and function (internally defined REVEL score threshold 0.5 < inconclusive < 0.7, PMID: 27666373). To our knowledge, functional studies have not been reported for this variant. This variant has been reported in an individual affected with colorectal cancer (PMID: 29245953). This variant has been identified in 10/281638 chromosomes in the general population by the Genome Aggregation Database (gnomAD). The available evidence is insufficient to determine the role of this variant in disease conclusively. Therefore, this variant is classified as a Variant of Uncertain Significance.

GeneDx
Classification: Uncertain significance. Last evaluated: 2023-09-11. Review status: criteria provided, single submitter. Criteria: GeneDx Variant Classification Process June 2021. Collection method: clinical testing. Allele origin: germline. Affected: yes.
Comment: In silico analysis supports that this missense variant has a deleterious effect on protein structure/function; Has not been previously published as pathogenic or benign to our knowledge; This variant is associated with the following publications: (PMID: 25925381, 18199528)

St. Jude Molecular Pathology, St. Jude Children's Research Hospital
Classification: Uncertain significance for Familial adenomatous polyposis 1. Last evaluated: 2022-07-07. Review status: criteria provided, single submitter. Criteria: St. Jude Assertion Criteria 2020. Collection method: clinical testing. Allele origin: germline.
Comment: The APC c.2240C>T (p.Ser747Leu) missense change has a maximum subpopulation frequency of 0.016% in gnomAD v2.1.1. The in silico tool REVEL is inconclusive about a pathogenic or benign effect of this variant on protein function, and to our knowledge functional studies have not been performed. This variant has been reported in individuals with a personal and/or family history of colorectal cancer and/or colon polyps (PMID: 29245953, 30374176). In summary, the evidence currently available is insufficient to determine the clinical significance of this variant. It has therefore been classified as of uncertain significance.

CeGaT Center for Human Genetics Tuebingen
Classification: Uncertain significance. Last evaluated: 2022-07-01. Review status: criteria provided, single submitter. Criteria: CeGaT Center For Human Genetics Tuebingen Variant Classification Criteria Version 2. Collection method: clinical testing. Allele origin: germline. Affected: yes. Observed: 1 variant allele.
Comment: APC: PP3

Department of Pathology and Laboratory Medicine, Sinai Health System
Classification: Uncertain significance for Desmoid disease, hereditary. Last evaluated: 2022-06-23. Review status: criteria provided, single submitter. Criteria: ACMG Guidelines, 2015. Collection method: clinical testing. Allele origin: germline. Affected: yes.

Ambry Genetics
Classification: Likely benign for Hereditary cancer-predisposing syndrome. Last evaluated: 2021-03-09. Review status: criteria provided, single submitter. Criteria: Ambry Variant Classification Scheme 2023. Collection method: clinical testing. Allele origin: germline.

Literature cited by the submitters: PubMed 29245953 (cited by Quest Diagnostics Nichols Institute San Juan Capistrano and Color Diagnostics, LLC DBA Color Health); PubMed 30374176 (cited by Quest Diagnostics Nichols Institute San Juan Capistrano).

NM_000038.6(APC):c.2240C>T (p.Ser747Leu)

Gene: APC (APC regulator of Wnt signaling pathway; plus strand). Cytogenetic location: 5q22.2.
Variant type: single nucleotide variant.
Coding change: c.2240C>T on transcript NM_000038.6 (MANE Select); coding-DNA position 2240, C replaced by T.
Protein change: p.Ser747Leu; replaces serine 747 with leucine.
Molecular consequence: missense variant.
Genome position (GRCh38, 1-based): chr5:112,837,834, C>T. VCF-style: chr5-112837834-C-T. GRCh37 (hg19) VCF-style: chr5-112173531-C-T.
Other names: c.2240C>T, p.Ser747Leu (NM_001127510.3, NM_001354895.2); c.2186C>T, p.Ser729Leu (NM_001127511.3); c.2294C>T, p.Ser765Leu (NM_001354896.2); c.2270C>T, p.Ser757Leu (NM_001354897.2); c.2165C>T, p.Ser722Leu (NM_001354898.2); c.2156C>T, p.Ser719Leu (NM_001354899.2); c.2117C>T, p.Ser706Leu (NM_001354900.2); c.2063C>T, p.Ser688Leu (NM_001354901.2); and 5 more; short protein forms S729L, S747L, S646L, S765L, S587L, S719L, S722L, S757L.
Identifiers: ClinVar variation 188223 (VCV000188223.58), dbSNP rs773020689, ClinGen allele CA007315.